The following is an entry in ClinVar:

NM_033118.4(MYLK2):c.524C>T (p.Thr175Ile)

Gene: MYLK2 (myosin light chain kinase 2; plus strand). Cytogenetic location: 20q11.21.
Variant type: single nucleotide variant.
Coding change: c.524C>T on transcript NM_033118.4 (MANE Select); coding-DNA position 524, C replaced by T.
Protein change: p.Thr175Ile; replaces threonine 175 with isoleucine.
Molecular consequence: missense variant.
Genome position (GRCh38, 1-based): chr20:31,821,489, C>T. VCF-style: chr20-31821489-C-T. GRCh37 (hg19) VCF-style: chr20-30409292-C-T.
Other names: short protein forms T175I.
Identifiers: ClinVar variation 4554945 (VCV004554945.2).

ClinVar aggregate classification (germline): Conflicting classifications of pathogenicity. Review status: criteria provided, conflicting classifications (1 of 4 stars). 2 submissions from 2 submitters: Uncertain significance (1); Likely benign (1). Last evaluated 2026-01-13.

Conditions:
Hypertrophic cardiomyopathy 1 (CMH1). Also called: MYH7-Related Familial Hypertrophic Cardiomyopathy; Familial hypertrophic cardiomyopathy 1. Identifiers: MedGen C3495498, MONDO:0008647, OMIM 192600.

gnomAD v4.1: 12 of 1,613,976 alleles (0.00074%); highest among the groups gnomAD compares: Admixed American, 0.005%; no homozygotes.

Submissions (2):

Labcorp Genetics (formerly Invitae), Labcorp
Classification: Uncertain significance for Hypertrophic cardiomyopathy 1. Last evaluated: 2026-01-13. Review status: criteria provided, single submitter. Criteria: Invitae Variant Classification Sherloc (09022015). Collection method: clinical testing. Allele origin: germline.
Comment: This sequence change replaces threonine, which is neutral and polar, with isoleucine, which is neutral and non-polar, at codon 175 of the MYLK2 protein (p.Thr175Ile). This variant is present in population databases (rs202084078, gnomAD 0.007%). This variant has not been reported in the literature in individuals affected with MYLK2-related conditions. Invitae Evidence Modeling of protein sequence and biophysical properties (such as structural, functional, and spatial information, amino acid conservation, physicochemical variation, residue mobility, and thermodynamic stability) indicates that this missense variant is not expected to disrupt MYLK2 protein function with a negative predictive value of 80%. In summary, the available evidence is currently insufficient to determine the role of this variant in disease. Therefore, it has been classified as a Variant of Uncertain Significance.

Ambry Genetics
Classification: Likely benign. Last evaluated: 2025-12-02. Review status: criteria provided, single submitter. Criteria: Ambry Variant Classification Scheme 2023. Collection method: clinical testing. Allele origin: germline.